The following is an entry in ClinVar:

ClinVar aggregate classification (germline): Conflicting classifications of pathogenicity. Review status: criteria provided, conflicting classifications (1 of 4 stars). 16 submissions from 16 submitters: Uncertain significance (1); Benign (2); Likely benign (10). 3 of the submissions do not count toward it. Last evaluated 2026-01-28.

Conditions:
MYBPC3-related disorder. Also called: MYBPC3-related disorders; MYBPC3-related condition; MYBPC3-related disease.
Cardiomyopathy (CMYO). Also called: Cardiomyopathies. Identifiers: Orphanet 167848, MedGen C0878544, MONDO:0004994, HP:0001638. Inheritance: Various modes of inheritance.
Hypertrophic cardiomyopathy 4. Also called: Familial hypertrophic cardiomyopathy 4. Identifiers: MedGen C1861862, MONDO:0007268, OMIM 115197.
Hypertrophic cardiomyopathy. Also called: HYPERTROPHIC MYOCARDIOPATHY. Identifiers: Orphanet 217569, MedGen C0007194, MeSH D002312, MONDO:0005045, HP:0001639.

Allele frequency attached by ClinVar (database versions not stated): 1000 Genomes Project 0.00020; TOPMed 0.00024; ExAC 0.00028; gnomAD exomes 0.00028 and 0.00041; 1000 Genomes Project 30x 0.00016; gnomAD 0.00035 and 0.00036.
gnomAD v4.1: 315 of 809,522 alleles (0.039%); highest among the groups gnomAD compares: Non-Finnish European, 0.062%; no homozygotes.

Submissions (16):

Labcorp Genetics (formerly Invitae), Labcorp
Classification: Likely benign for Hypertrophic cardiomyopathy. Last evaluated: 2026-01-28. Review status: criteria provided, single submitter. Criteria: Invitae Variant Classification Sherloc (09022015). Collection method: clinical testing. Allele origin: germline.

ARUP Laboratories, Molecular Genetics and Genomics, ARUP Laboratories
Classification: Likely benign. Last evaluated: 2025-06-05. Review status: criteria provided, single submitter. Criteria: ARUP Molecular Germline Variant Investigation Process 2024. Collection method: clinical testing. Allele origin: germline.

Women's Health and Genetics/Laboratory Corporation of America, LabCorp
Classification: Benign. Last evaluated: 2025-05-09. Review status: criteria provided, single submitter. Criteria: LabCorp Variant Classification Summary - May 2015. Collection method: clinical testing. Allele origin: germline.
Comment: Variant summary: MYBPC3 c.906-7G>T alters a non-conserved nucleotide located at a position not widely known to affect splicing. Consensus agreement among computation tools predicts no significant impact on normal splicing. This was confirmed in a mini gene assay, where the variant was reported to have no impact on splicing (Frisso_2016). The variant allele was found at a frequency of 0.00028 in 230196 control chromosomes, predominantly at a frequency of 0.00053 within the Non-Finnish European subpopulation in the gnomAD database. This frequency is somewhat lower than the maximum estimated for a pathogenic variant in MYBPC3 causing Hypertrophic Cardiomyopathy (0.001). However, in certain European subpopulations, e.g. in Southern Europeans and Bulgarians, the variant was reported with even higher allele frequencies (i.e. 0.0011-0.0023), suggesting that it might represent a benign polymorphism. The variant, c.906-7G>T, has been observed in individual(s) affected with Hypertrophic Cardiomyopathy (e.g. Frisso_2016), however no supportive evidence for causality was provided. The following publication has been ascertained in the context of this evaluation (PMID: 27834932). ClinVar contains an entry for this variant (Variation ID: 42800). Based on the evidence outlined above, the variant was classified as benign.

Molecular Diagnostic Laboratory for Inherited Cardiovascular Disease, Montreal Heart Institute
Classification: Likely benign. Last evaluated: 2025-04-09. Review status: criteria provided, single submitter. Criteria: ACMG Guidelines, 2015. Collection method: clinical testing. Allele origin: germline. Affected: no.

CeGaT Center for Human Genetics Tuebingen
Classification: Likely benign. Last evaluated: 2025-03-01. Review status: criteria provided, single submitter. Criteria: CeGaT Center For Human Genetics Tuebingen Variant Classification Criteria Version 2. Collection method: clinical testing. Allele origin: germline. Affected: yes. Observed: 4 variant alleles.
Comment: MYBPC3: BP4

Laboratory of Genetics, Children's Clinical University Hospital Latvia
Classification: Likely benign. Last evaluated: 2025-02-16. Review status: criteria provided, single submitter. Criteria: ACMG Guidelines, 2015. Collection method: clinical testing. Allele origin: germline. Affected: yes.

Blueprint Genetics
Classification: Likely benign. Last evaluated: 2024-10-30. Review status: criteria provided, single submitter. Criteria: ACMG Guidelines, 2015. Collection method: clinical testing. Allele origin: germline.

CHEO Genetics Diagnostic Laboratory, Children's Hospital of Eastern Ontario
Classification: Likely benign for Cardiomyopathy. Last evaluated: 2021-06-01. Review status: criteria provided, single submitter. Criteria: ACMG Guidelines, 2015. Collection method: clinical testing. Allele origin: germline. Study: Canadian Open Genetics Repository.

Laboratory for Molecular Medicine, Mass General Brigham Personalized Medicine
Classification: Likely benign. Last evaluated: 2020-08-12. Review status: criteria provided, single submitter. Criteria: LMM Criteria. Collection method: clinical testing. Allele origin: germline. Inheritance: Autosomal dominant inheritance. Observed: 7 variant alleles.
Comment: The c.906-7G>T variant in MYBPC3 is classified as likely benign it has been identified in 0.06% (70/122142) of European chromosomes by gnomAD. Computational splice prediction tools as well as in vitro RNA splicing assays do not predict and impact on splicing (Frisso 2016 PMID: 27834932). ACMG/AMP Criteria applied: BS1, BP4, BP7.

Color Diagnostics, LLC DBA Color Health
Classification: Likely benign for Cardiomyopathy. Last evaluated: 2019-11-21. Review status: criteria provided, single submitter. Criteria: ACMG Guidelines, 2015. Collection method: clinical testing. Allele origin: germline.

Clinical Genetics DNA and cytogenetics Diagnostics Lab, Erasmus MC, Erasmus Medical Center
Classification: Benign for Hypertrophic cardiomyopathy 4. Last evaluated: 2017-05-31. Review status: criteria provided, single submitter. Criteria: ACGS Guidelines, 2013. Collection method: clinical testing. Allele origin: germline. Affected: yes. Study: VKGL Data-share Consensus.

Genome Diagnostics Laboratory, University Medical Center Utrecht
Classification: Likely benign for Hypertrophic cardiomyopathy 4. Last evaluated: 2016-10-27. Review status: criteria provided, single submitter. Criteria: ACGS Guidelines, 2013. Collection method: clinical testing. Allele origin: germline. Affected: yes. Study: VKGL Data-share Consensus.

GeneDx
Classification: Uncertain significance. Last evaluated: 2013-11-20. Review status: criteria provided, single submitter. Criteria: GeneDx Variant Classification (06012015). Collection method: clinical testing. Allele origin: germline. Affected: yes.
Comment: The variant is found in HCM panel(s).

PreventionGenetics, part of Exact Sciences
Classification: Likely benign for MYBPC3-related condition. Last evaluated: 2020-05-05. Review status: no assertion criteria provided. Collection method: clinical testing. Allele origin: germline. Not counted in ClinVar's aggregate classification.
Comment: This variant is classified as likely benign based on ACMG/AMP sequence variant interpretation guidelines (Richards et al. 2015 PMID: 25741868, with internal and published modifications).

Clinical Genetics, Academic Medical Center
Classification: Benign. Review status: no assertion criteria provided. Collection method: clinical testing. Allele origin: germline. Affected: yes. Study: VKGL Data-share Consensus. Not counted in ClinVar's aggregate classification.

Joint Genome Diagnostic Labs from Nijmegen and Maastricht, Radboudumc and MUMC+
Classification: Likely benign. Review status: no assertion criteria provided. Collection method: clinical testing. Allele origin: germline. Affected: yes. Study: VKGL Data-share Consensus. Not counted in ClinVar's aggregate classification.

Literature cited by the submitters: PubMed 27834932 (cited by Women's Health and Genetics/Laboratory Corporation of America, LabCorp and Laboratory for Molecular Medicine, Mass General Brigham Personalized Medicine).

NM_000256.3(MYBPC3):c.906-7G>T

Gene: MYBPC3 (myosin binding protein C3; minus strand). Cytogenetic location: 11p11.2.
Variant type: single nucleotide variant.
Coding change: c.906-7G>T on transcript NM_000256.3 (MANE Select); 7 bases into the intron before coding-DNA position 906, G replaced by T.
Molecular consequence: intron variant.
Genome position (GRCh38, 1-based): chr11:47,347,036, C>A on the plus strand (G>T on the coding strand, the complement: MYBPC3 is on the minus strand). VCF-style: chr11-47347036-C-A. GRCh37 (hg19) VCF-style: chr11-47368587-C-A.
Identifiers: ClinVar variation 42800 (VCV000042800.75), dbSNP rs397516079, ClinGen allele CA016032.